The following is an entry in ClinVar:

ClinVar aggregate classification (germline): Likely benign (1 of 4 stars; one submission).

Conditions:
PRKDC-related disorder. Also called: PRKDC-related condition.

Submission:

PreventionGenetics, part of Exact Sciences
Classification: Likely benign for PRKDC-related condition. Last evaluated: 2024-02-21. Review status: criteria provided, single submitter. Criteria: ACMG Guidelines, 2015. Collection method: clinical testing. Allele origin: germline.
Comment: This variant is classified as likely benign based on ACMG/AMP sequence variant interpretation guidelines (Richards et al. 2015 PMID: 25741868, with internal and published modifications).

NM_006904.7(PRKDC):c.6341A>G (p.Glu2114Gly)

Gene: PRKDC (protein kinase, DNA-activated, catalytic subunit; minus strand). Cytogenetic location: 8q11.21.
Variant type: single nucleotide variant.
Coding change: c.6341A>G on transcript NM_006904.7 (MANE Select); coding-DNA position 6341, A replaced by G.
Protein change: p.Glu2114Gly; replaces glutamic acid 2114 with glycine.
Molecular consequence: missense variant.
Genome position (GRCh38, 1-based): chr8:47,858,853, T>C on the plus strand (A>G on the coding strand, the complement: PRKDC is on the minus strand). VCF-style: chr8-47858853-T-C. GRCh37 (hg19) VCF-style: chr8-48771414-T-C.
Other names: c.6341A>G, p.Glu2114Gly (NM_001081640.2); short protein forms E2114G.
Identifiers: ClinVar variation 3057245 (VCV003057245.1), dbSNP rs2551870061, ClinGen allele CA371160821.
Genomic context (GRCh38, chr8:47,858,853, plus strand): 5'-CTCAGTATGACACCAATGAATATAGTATTAACAGGTAAGATGAGTGGGAAAAGCACCTCT[T>C]CTCCTTGAGGCGGGCCCAGGCTTCTGTGCATGTGCTTGACCAGGGCCGTCAGGGGCGCCA-3'
Protein context (NP_008835.5, residues 2104-2124): MHRSLGPPQG[Glu2114Gly]EDSVPRDLPS